The following is an entry in ClinVar:

ClinVar aggregate classification (germline): Uncertain significance (1 of 4 stars; one submission).

Conditions:
Charcot-Marie-Tooth disease axonal type 2Z. Also called: CHARCOT-MARIE-TOOTH DISEASE, AXONAL, AUTOSOMAL DOMINANT, TYPE 2Z; CHARCOT-MARIE-TOOTH NEUROPATHY, TYPE 2Z. Identifiers: Orphanet 466768, MedGen C5569025, MONDO:0014736, OMIM 616688.

gnomAD v4.1: 16 of 1,613,958 alleles (0.00099%); highest among the groups gnomAD compares: East Asian, 0.0022%; no homozygotes.

Submission:

Labcorp Genetics (formerly Invitae), Labcorp
Classification: Uncertain significance for Charcot-Marie-Tooth disease axonal type 2Z. Last evaluated: 2024-11-11. Review status: criteria provided, single submitter. Criteria: Invitae Variant Classification Sherloc (09022015). Collection method: clinical testing. Allele origin: germline.
Comment: This sequence change replaces arginine, which is basic and polar, with histidine, which is basic and polar, at codon 981 of the MORC2 protein (p.Arg981His). This variant is present in population databases (no rsID available, gnomAD 0.007%). This variant has not been reported in the literature in individuals affected with MORC2-related conditions. Invitae Evidence Modeling of protein sequence and biophysical properties (such as structural, functional, and spatial information, amino acid conservation, physicochemical variation, residue mobility, and thermodynamic stability) indicates that this missense variant is not expected to disrupt MORC2 protein function with a negative predictive value of 95%. In summary, the available evidence is currently insufficient to determine the role of this variant in disease. Therefore, it has been classified as a Variant of Uncertain Significance.

NM_001303256.3(MORC2):c.2942G>A (p.Arg981His)

Gene: MORC2 (MORC family CW-type zinc finger 2; minus strand). Cytogenetic location: 22q12.2.
Variant type: single nucleotide variant.
Coding change: c.2942G>A on transcript NM_001303256.3 (MANE Select); coding-DNA position 2942, G replaced by A.
Protein change: p.Arg981His; replaces arginine 981 with histidine.
Molecular consequence: missense variant.
Genome position (GRCh38, 1-based): chr22:30,928,107, C>T on the plus strand (G>A on the coding strand, the complement: MORC2 is on the minus strand). VCF-style: chr22-30928107-C-T. GRCh37 (hg19) VCF-style: chr22-31324094-C-T.
Other names: c.2942G>A, p.Arg981His (NM_001303257.2); c.2756G>A, p.Arg919His (NM_014941.3); short protein forms R981H, R919H.
Identifiers: ClinVar variation 3646913 (VCV003646913.2).